The following is an entry in ClinVar:

ClinVar aggregate classification (germline): Conflicting classifications of pathogenicity. Review status: criteria provided, conflicting classifications (1 of 4 stars). 5 submissions from 5 submitters: Uncertain significance (4); Benign (1). Last evaluated 2026-01-01.

Conditions:
Hereditary cancer-predisposing syndrome. Also called: Tumor predisposition; Neoplastic Syndromes, Hereditary; Hereditary Cancer Syndrome; Hereditary neoplastic syndrome. Identifiers: Orphanet 140162, MedGen C0027672, MeSH D009386, MONDO:0015356.
Multiple endocrine neoplasia, type 1 (MEN1). Also called: MEN I; WERMER SYNDROME; MEA I; Endocrine adenomatosis multiple; MEN 1. Identifiers: Orphanet 652, MedGen C0025267, MeSH D018761, MONDO:0007540, OMIM 131100.

Submissions (5):

CeGaT Center for Human Genetics Tuebingen
Classification: Uncertain significance. Last evaluated: 2026-01-01. Review status: criteria provided, single submitter. Criteria: CeGaT Center For Human Genetics Tuebingen Variant Classification Criteria Version 2. Collection method: clinical testing. Allele origin: germline. Affected: yes. Observed: 1 variant allele.
Comment: MEN1: PM2

Labcorp Genetics (formerly Invitae), Labcorp
Classification: Benign for Multiple endocrine neoplasia, type 1. Last evaluated: 2025-11-15. Review status: criteria provided, single submitter. Criteria: Invitae Variant Classification Sherloc (09022015). Collection method: clinical testing. Allele origin: germline.

Ambry Genetics
Classification: Uncertain significance for Hereditary cancer-predisposing syndrome. Last evaluated: 2024-04-10. Review status: criteria provided, single submitter. Criteria: Ambry Variant Classification Scheme 2023. Collection method: clinical testing. Allele origin: germline.
Comment: The p.P546L variant (also known as c.1637C>T), located in coding exon 9 of the MEN1 gene, results from a C to T substitution at nucleotide position 1637. The proline at codon 546 is replaced by leucine, an amino acid with similar properties. This amino acid position is well conserved in available vertebrate species. In addition, the in silico prediction for this alteration is inconclusive. Since supporting evidence is limited at this time, the clinical significance of this alteration remains unclear.

Baylor Genetics
Classification: Uncertain significance for Multiple Endocrine Neoplasia Type 1. Last evaluated: 2024-03-29. Review status: criteria provided, single submitter. Criteria: ACMG Guidelines, 2015. Collection method: clinical testing. Allele origin: unknown.

Mendelics
Classification: Uncertain significance for Multiple endocrine neoplasia, type 1. Last evaluated: 2018-07-02. Review status: criteria provided, single submitter. Criteria: Mendelics Assertion Criteria 2017. Collection method: clinical testing. Allele origin: unknown.

NM_001370259.2(MEN1):c.1637C>T (p.Pro546Leu)

Gene: MEN1 (menin 1; minus strand). Cytogenetic location: 11q13.1.
Variant type: single nucleotide variant.
Coding change: c.1637C>T on transcript NM_001370259.2 (MANE Select); coding-DNA position 1637, C replaced by T.
Protein change: p.Pro546Leu; replaces proline 546 with leucine.
Molecular consequence: missense variant.
Genome position (GRCh38, 1-based): chr11:64,804,530, G>A on the plus strand (C>T on the coding strand, the complement: MEN1 is on the minus strand). VCF-style: chr11-64804530-G-A. GRCh37 (hg19) VCF-style: chr11-64572002-G-A.
Other names: c.1652C>T, p.Pro551Leu (NM_000244.4, NM_130800.3, NM_130801.3 and 3 more transcripts); c.1763C>T, p.Pro588Leu (NM_001370251.2); c.1637C>T, p.Pro546Leu (NM_001370260.2, NM_001370261.2, NM_130799.3); c.1532C>T, p.Pro511Leu (NM_001370262.2, NM_001370263.2); short protein forms P546L, P551L, P511L, P588L.
Identifiers: ClinVar variation 188066 (VCV000188066.19), dbSNP rs779413959, ClinGen allele CA009249.